The following is an entry in ClinVar:

NM_006231.4(POLE):c.4276G>T (p.Val1426Leu)

Gene: POLE (DNA polymerase epsilon, catalytic subunit; minus strand). Cytogenetic location: 12q24.33.
Variant type: single nucleotide variant.
Coding change: c.4276G>T on transcript NM_006231.4 (MANE Select); coding-DNA position 4276, G replaced by T.
Protein change: p.Val1426Leu; replaces valine 1426 with leucine.
Molecular consequence: missense variant.
Genome position (GRCh38, 1-based): chr12:132,643,851, C>A on the plus strand (G>T on the coding strand, the complement: POLE is on the minus strand). VCF-style: chr12-132643851-C-A. GRCh37 (hg19) VCF-style: chr12-133220437-C-A.
Other names: short protein forms V1426L.
Identifiers: ClinVar variation 4141075 (VCV004141075.1).

ClinVar aggregate classification (germline): Uncertain significance (1 of 4 stars; one submission).

Conditions:
Hereditary cancer-predisposing syndrome. Also called: Hereditary neoplastic syndrome; Neoplastic Syndromes, Hereditary; Tumor predisposition; Hereditary Cancer Syndrome. Identifiers: Orphanet 140162, MedGen C0027672, MeSH D009386, MONDO:0015356.

gnomAD v4.1: 1 of 1,614,014 alleles (0.000062%); highest among the groups gnomAD compares: Non-Finnish European, 0.000085%; no homozygotes.

Submission:

Ambry Genetics
Classification: Uncertain significance for Hereditary cancer-predisposing syndrome. Last evaluated: 2025-08-07. Review status: criteria provided, single submitter. Criteria: Ambry Variant Classification Scheme 2023. Collection method: clinical testing. Allele origin: germline.
Comment: The p.V1426L variant (also known as c.4276G>T), located in coding exon 33 of the POLE gene, results from a G to T substitution at nucleotide position 4276. The valine at codon 1426 is replaced by leucine, an amino acid with highly similar properties. This amino acid position is conserved. In addition, the in silico prediction for this alteration is inconclusive. Based on the available evidence, the clinical significance of this variant remains unclear.